The following is an entry in ClinVar:

ClinVar aggregate classification (germline): Uncertain significance. Review status: criteria provided, multiple submitters, no conflicts (2 of 4 stars). 5 submissions from 5 submitters: Uncertain significance (5). Last evaluated 2025-08-25.

Conditions:
Fanconi anemia complementation group J. Also called: BRIP1-Related Fanconi Anemia. Identifiers: Orphanet 84, MedGen C1836860, MONDO:0012187, OMIM 609054.
Familial cancer of breast. Also called: Hereditary breast cancer; hereditary breast carcinoma; BREAST CANCER, FAMILIAL. Identifiers: Orphanet 227535, MedGen C0346153, MONDO:0016419, OMIM 114480. Disease mechanism: loss of function.
Hereditary cancer-predisposing syndrome. Also called: Hereditary Cancer Syndrome; Neoplastic Syndromes, Hereditary; Tumor predisposition; Hereditary neoplastic syndrome. Identifiers: Orphanet 140162, MedGen C0027672, MeSH D009386, MONDO:0015356.

Allele frequency attached by ClinVar (database versions not stated): TOPMed below 0.00001; ESP Exome Variant Server 0.00008.
gnomAD v4.1: 5 of 1,614,124 alleles (0.00031%); highest among the groups gnomAD compares: Non-Finnish European, 0.00042%; no homozygotes.

Submissions (5):

Labcorp Genetics (formerly Invitae), Labcorp
Classification: Uncertain significance for Familial cancer of breast; Fanconi anemia complementation group J. Last evaluated: 2025-08-25. Review status: criteria provided, single submitter. Criteria: Invitae Variant Classification Sherloc (09022015). Collection method: clinical testing. Allele origin: germline.
Comment: This sequence change replaces glutamine, which is neutral and polar, with arginine, which is basic and polar, at codon 944 of the BRIP1 protein (p.Gln944Arg). This variant is present in population databases (rs148232408, gnomAD 0.0009%). This variant has not been reported in the literature in individuals affected with BRIP1-related conditions. ClinVar contains an entry for this variant (Variation ID: 230586). Invitae Evidence Modeling of protein sequence and biophysical properties (such as structural, functional, and spatial information, amino acid conservation, physicochemical variation, residue mobility, and thermodynamic stability) indicates that this missense variant is not expected to disrupt BRIP1 protein function with a negative predictive value of 95%. In summary, the available evidence is currently insufficient to determine the role of this variant in disease. Therefore, it has been classified as a Variant of Uncertain Significance.

Color Diagnostics, LLC DBA Color Health
Classification: Uncertain significance for Hereditary cancer-predisposing syndrome. Last evaluated: 2025-05-28. Review status: criteria provided, single submitter. Criteria: ACMG Guidelines, 2015. Collection method: clinical testing. Allele origin: germline.
Comment: This missense variant replaces glutamine with arginine at codon 944 of the BRIP1 protein. Computational prediction suggests that this variant may not impact protein structure and function. To our knowledge, functional studies have not been reported for this variant. This variant has been identified in 2/251304 chromosomes in the general population by the Genome Aggregation Database (gnomAD). The available evidence is insufficient to determine the role of this variant in disease conclusively. Therefore, this variant is classified as a Variant of Uncertain Significance.

Ambry Genetics
Classification: Uncertain significance for Hereditary cancer-predisposing syndrome. Last evaluated: 2025-05-11. Review status: criteria provided, single submitter. Criteria: Ambry Variant Classification Scheme 2023. Collection method: clinical testing. Allele origin: germline.
Comment: The p.Q944R variant (also known as c.2831A>G), located in coding exon 18 of the BRIP1 gene, results from an A to G substitution at nucleotide position 2831. The glutamine at codon 944 is replaced by arginine, an amino acid with highly similar properties. This amino acid position is not well conserved in available vertebrate species. In addition, this alteration is predicted to be tolerated by in silico analysis. Since supporting evidence is limited at this time, the clinical significance of this alteration remains unclear.

Baylor Genetics
Classification: Uncertain significance for Familial cancer of breast. Last evaluated: 2024-03-14. Review status: criteria provided, single submitter. Criteria: ACMG Guidelines, 2015. Collection method: clinical testing. Allele origin: unknown.

Sema4
Classification: Uncertain significance for Hereditary cancer-predisposing syndrome. Last evaluated: 2022-01-14. Review status: criteria provided, single submitter. Criteria: Sema4 Curation Guidelines. Collection method: curation. Allele origin: germline.
Comment: The BRIP1 c.2831A>G (p.Q944R) variant has not been reported in the literature to our knowledge. It was observed in 1/16252 chromosomes of the African/African American subpopulation in the large and broad cohorts of the Genome Aggregation Database (PMID: 32461654). The variant has been reported in ClinVar (Variation ID 230586). Functional studies have not been performed, and in silico predictions of the variant's effect on protein function are inconclusive. The evidence is insufficient to meet ACMG/AMP criteria for classifying the variant as benign or pathogenic. Thus, the clinical significance of this variant is currently uncertain.

Literature cited by the submitters: PubMed 31512090 (cited by Color Diagnostics, LLC DBA Color Health).

NM_032043.3(BRIP1):c.2831A>G (p.Gln944Arg)

Gene: BRIP1 (BRCA1 interacting DNA helicase 1; minus strand). Cytogenetic location: 17q23.2.
Variant type: single nucleotide variant.
Coding change: c.2831A>G on transcript NM_032043.3 (MANE Select); coding-DNA position 2831, A replaced by G.
Protein change: p.Gln944Arg; replaces glutamine 944 with arginine.
Molecular consequence: missense variant.
Genome position (GRCh38, 1-based): chr17:61,685,910, T>C on the plus strand (A>G on the coding strand, the complement: BRIP1 is on the minus strand). VCF-style: chr17-61685910-T-C. GRCh37 (hg19) VCF-style: chr17-59763271-T-C.
Other names: short protein forms Q944R.
Identifiers: ClinVar variation 230586 (VCV000230586.21), dbSNP rs148232408, ClinGen allele CA10580788.